The following is an entry in ClinVar:

ClinVar aggregate classification (germline): Uncertain significance. Review status: criteria provided, multiple submitters, no conflicts (2 of 4 stars). 2 submissions from 2 submitters: Uncertain significance (2). Last evaluated 2024-11-21.

Conditions:
Inborn genetic diseases. Identifiers: MedGen C0950123, MeSH D030342.

Allele frequency attached by ClinVar (database versions not stated): TOPMed below 0.00001; gnomAD 0.00004.
gnomAD v4.1: 4 of 1,203,378 alleles (0.00033%); highest among the groups gnomAD compares: African/African-American, 0.0069%; no homozygotes.

Submissions (2):

Ambry Genetics
Classification: Uncertain significance for Inborn genetic diseases. Last evaluated: 2024-11-21. Review status: criteria provided, single submitter. Criteria: Ambry Variant Classification Scheme 2023. Collection method: clinical testing. Allele origin: germline.

Labcorp Genetics (formerly Invitae), Labcorp
Classification: Uncertain significance. Last evaluated: 2024-11-04. Review status: criteria provided, single submitter. Criteria: Invitae Variant Classification Sherloc (09022015). Collection method: clinical testing. Allele origin: germline.
Comment: This sequence change replaces alanine, which is neutral and non-polar, with threonine, which is neutral and polar, at codon 270 of the NYX protein (p.Ala270Thr). This variant is present in population databases (no rsID available, gnomAD 0.03%). This variant has not been reported in the literature in individuals affected with NYX-related conditions. ClinVar contains an entry for this variant (Variation ID: 968871). Invitae Evidence Modeling of protein sequence and biophysical properties (such as structural, functional, and spatial information, amino acid conservation, physicochemical variation, residue mobility, and thermodynamic stability) indicates that this missense variant is not expected to disrupt NYX protein function with a negative predictive value of 80%. In summary, the available evidence is currently insufficient to determine the role of this variant in disease. Therefore, it has been classified as a Variant of Uncertain Significance.

NM_001378477.3(NYX):c.793G>A (p.Ala265Thr)

Gene: NYX (nyctalopin; plus strand). Cytogenetic location: Xp11.4.
Variant type: single nucleotide variant.
Coding change: c.793G>A on transcript NM_001378477.3 (MANE Select); coding-DNA position 793, G replaced by A.
Protein change: p.Ala265Thr; replaces alanine 265 with threonine.
Molecular consequence: missense variant.
Genome position (GRCh38, 1-based): chrX:41,474,261, G>A. VCF-style: chrX-41474261-G-A. GRCh37 (hg19) VCF-style: chrX-41333514-G-A.
Other names: c.793G>A, p.Ala265Thr (NM_022567.3); short protein forms A270T, A265T.
Identifiers: ClinVar variation 968871 (VCV000968871.11), dbSNP rs1198911677, ClinGen allele CA412991267.